The following is an entry in ClinVar:

NM_001365276.2(TNXB):c.1013G>T (p.Gly338Val)

Gene: TNXB (tenascin XB; minus strand). Cytogenetic location: 6p21.33.
Variant type: single nucleotide variant.
Coding change: c.1013G>T on transcript NM_001365276.2 (MANE Select); coding-DNA position 1013, G replaced by T.
Protein change: p.Gly338Val; replaces glycine 338 with valine.
Molecular consequence: missense variant.
Genome position (GRCh38, 1-based): chr6:32,096,840, C>A on the plus strand (G>T on the coding strand, the complement: TNXB is on the minus strand). VCF-style: chr6-32096840-C-A. GRCh37 (hg19) VCF-style: chr6-32064617-C-A.
Other names: c.1013G>T, p.Gly338Val (NM_019105.8); short protein forms G338V.
Identifiers: ClinVar variation 2451195 (VCV002451195.2), dbSNP rs2483762358, ClinGen allele CA363484254.

ClinVar aggregate classification (germline): Uncertain significance (1 of 4 stars; one submission).

Conditions:
Cardiovascular phenotype. Identifiers: MedGen CN230736.

Submission:

Ambry Genetics
Classification: Uncertain significance for Cardiovascular phenotype. Last evaluated: 2023-03-03. Review status: criteria provided, single submitter. Criteria: Ambry Variant Classification Scheme 2023. Collection method: clinical testing. Allele origin: germline.
Comment: The p.G338V variant (also known as c.1013G>T), located in coding exon 2 of the TNXB gene, results from a G to T substitution at nucleotide position 1013. The glycine at codon 338 is replaced by valine, an amino acid with dissimilar properties. This amino acid position is conserved. In addition, this alteration is predicted to be tolerated by in silico analysis. Since supporting evidence is limited at this time, the clinical significance of this alteration remains unclear.